The following is an entry in ClinVar:

NM_018668.5(VPS33B):c.1816G>A (p.Ala606Thr)

Gene: VPS33B (VPS33B late endosome and lysosome associated; minus strand). Cytogenetic location: 15q26.1.
Variant type: single nucleotide variant.
Coding change: c.1816G>A on transcript NM_018668.5 (MANE Select); coding-DNA position 1816, G replaced by A.
Protein change: p.Ala606Thr; replaces alanine 606 with threonine.
Molecular consequence: missense variant.
Genome position (GRCh38, 1-based): chr15:90,999,013, C>T on the plus strand (G>A on the coding strand, the complement: VPS33B is on the minus strand). VCF-style: chr15-90999013-C-T. GRCh37 (hg19) VCF-style: chr15-91542243-C-T.
Other names: c.1735G>A, p.Ala579Thr (NM_001289148.1); c.1543G>A, p.Ala515Thr (NM_001289149.1); short protein forms A515T, A579T, A606T.
Identifiers: ClinVar variation 2632088 (VCV002632088.2), dbSNP rs755882410, ClinGen allele CA7744489.

ClinVar aggregate classification (germline): Uncertain significance. Review status: criteria provided, multiple submitters, no conflicts (2 of 4 stars). 2 submissions from 2 submitters: Uncertain significance (2). Last evaluated 2024-03-18.

Conditions:
VPS33B-related disorder. Also called: VPS33B-related condition.
Keratoderma-ichthyosis-deafness syndrome, autosomal recessive (KDIDAR). Identifiers: MedGen C5774200, MONDO:0859278, OMIM 620009.
Cholestasis, progressive familial intrahepatic, 12 (PFIC12). Also called: CHOLESTASIS, ISOLATED LOW-GGT. Identifiers: MedGen C5774311, MONDO:0031040, OMIM 620010.
Arthrogryposis, renal dysfunction, and cholestasis 1 (ARCS1). Identifiers: Orphanet 2697, MedGen C1859722, MONDO:0008822, OMIM 208085.

Allele frequency attached by ClinVar (database versions not stated): gnomAD exomes 0.00001; ExAC 0.00002.
gnomAD v4.1: 17 of 1,614,060 alleles (0.0011%); highest among the groups gnomAD compares: African/African-American, 0.0053%; no homozygotes.

Submissions (2):

Fulgent Genetics
Classification: Uncertain significance for Arthrogryposis, renal dysfunction, and cholestasis 1; Keratoderma-ichthyosis-deafness syndrome, autosomal recessive; Cholestasis, progressive familial intrahepatic, 12. Last evaluated: 2024-03-18. Review status: criteria provided, single submitter. Criteria: ACMG Guidelines, 2015. Collection method: clinical testing. Allele origin: germline.

PreventionGenetics, part of Exact Sciences
Classification: Uncertain significance for VPS33B-related condition. Last evaluated: 2023-10-04. Review status: criteria provided, single submitter. Criteria: ACMG Guidelines, 2015. Collection method: clinical testing. Allele origin: germline.
Comment: The VPS33B c.1816G>A variant is predicted to result in the amino acid substitution p.Ala606Thr. To our knowledge, this variant has not been reported in the literature. This variant is reported in 0.0062% of alleles in individuals of African descent in gnomAD. At this time, the clinical significance of this variant is uncertain due to the absence of conclusive functional and genetic evidence.